The following is an entry in ClinVar:

NM_004186.5(SEMA3F):c.799A>G (p.Ser267Gly)

Gene: SEMA3F (semaphorin 3F; plus strand). Cytogenetic location: 3p21.31.
Variant type: single nucleotide variant.
Coding change: c.799A>G on transcript NM_004186.5 (MANE Select); coding-DNA position 799, A replaced by G.
Protein change: p.Ser267Gly; replaces serine 267 with glycine.
Molecular consequence: missense variant.
Genome position (GRCh38, 1-based): chr3:50,182,679, A>G. VCF-style: chr3-50182679-A-G. GRCh37 (hg19) VCF-style: chr3-50220112-A-G.
Other names: c.502A>G, p.Ser168Gly (NM_001318798.2); c.706A>G, p.Ser236Gly (NM_001318800.2); short protein forms S168G, S236G, S267G.
Identifiers: ClinVar variation 3345372 (VCV003345372.1).

ClinVar aggregate classification (germline): Uncertain significance (0 of 4 stars; one submission).

Conditions:
SEMA3F-related disorder. Also called: SEMA3F-related condition.

gnomAD v4.1: 1 of 1,613,590 alleles (0.000062%); highest among the groups gnomAD compares: African/African-American, 0.0013%; no homozygotes.

Submission:

PreventionGenetics, part of Exact Sciences
Classification: Uncertain significance for SEMA3F-related condition. Last evaluated: 2024-05-13. Review status: no assertion criteria provided. Collection method: clinical testing. Allele origin: germline.
Comment: The SEMA3F c.799A>G variant is predicted to result in the amino acid substitution p.Ser267Gly. To our knowledge, this variant has not been reported in the literature or in a large population database, indicating this variant is rare. At this time, the clinical significance of this variant is uncertain due to the absence of conclusive functional and genetic evidence.